The following is an entry in ClinVar:

NM_001164665.2(KIAA1549):c.48G>T (p.Lys16Asn)

Gene: KIAA1549 (KIAA1549; minus strand). Cytogenetic location: 7q34.
Variant type: single nucleotide variant.
Coding change: c.48G>T on transcript NM_001164665.2 (MANE Select); coding-DNA position 48, G replaced by T.
Protein change: p.Lys16Asn; replaces lysine 16 with asparagine.
Molecular consequence: missense variant.
Genome position (GRCh38, 1-based): chr7:138,981,222, C>A on the plus strand (G>T on the coding strand, the complement: KIAA1549 is on the minus strand). VCF-style: chr7-138981222-C-A. GRCh37 (hg19) VCF-style: chr7-138665968-C-A.
Other names: c.48G>T, p.Lys16Asn (NM_020910.3); short protein forms K16N.
Identifiers: ClinVar variation 1393798 (VCV001393798.6), dbSNP rs1814542565, ClinGen allele CA369382582.

ClinVar aggregate classification (germline): Uncertain significance (1 of 4 stars; one submission).

Submission:

Labcorp Genetics (formerly Invitae), Labcorp
Classification: Uncertain significance. Last evaluated: 2021-11-17. Review status: criteria provided, single submitter. Criteria: Invitae Variant Classification Sherloc (09022015). Collection method: clinical testing. Allele origin: germline.
Comment: In summary, the available evidence is currently insufficient to determine the role of this variant in disease. Therefore, it has been classified as a Variant of Uncertain Significance. Algorithms developed to predict the effect of missense changes on protein structure and function (SIFT, PolyPhen-2, Align-GVGD) all suggest that this variant is likely to be tolerated. This variant has not been reported in the literature in individuals affected with KIAA1549-related conditions. The frequency data for this variant in the population databases is considered unreliable, as metrics indicate insufficient coverage at this position in the gnomAD database. This sequence change replaces lysine, which is basic and polar, with asparagine, which is neutral and polar, at codon 16 of the KIAA1549 protein (p.Lys16Asn).